The following is an entry in ClinVar:

NM_001089.3(ABCA3):c.628G>T (p.Gly210Cys)

Gene: ABCA3 (ATP binding cassette subfamily A member 3; minus strand). Cytogenetic location: 16p13.3.
Variant type: single nucleotide variant.
Coding change: c.628G>T on transcript NM_001089.3 (MANE Select); coding-DNA position 628, G replaced by T.
Protein change: p.Gly210Cys; replaces glycine 210 with cysteine.
Molecular consequence: missense variant.
Genome position (GRCh38, 1-based): chr16:2,319,826, C>A on the plus strand (G>T on the coding strand, the complement: ABCA3 is on the minus strand). VCF-style: chr16-2319826-C-A. GRCh37 (hg19) VCF-style: chr16-2369827-C-A.
Other names: short protein forms G210C.
Identifiers: ClinVar variation 5004380 (VCV005004380.1).
Genomic context (GRCh38, chr16:2,319,826, plus strand): 5'-CGGCATCGGCATGGTACTCCATGATGGCCCGGTCCACAGCATGCTGCACGGCCAGGAAGC[C>A]TTCCCGGATGTACCCTGGGTGCGGGAGCAGAGGATGGCCCAGCCACCTCGAGGAGCTGCT-3'
Protein context (NP_001080.2, residues 200-220): DGGEPGYIRE[Gly210Cys]FLAVQHAVDR

ClinVar aggregate classification (germline): Uncertain significance (1 of 4 stars; one submission).

Conditions:
Interstitial lung disease due to ABCA3 deficiency. Also called: PULMONARY ALVEOLAR PROTEINOSIS, CONGENITAL, 3. Identifiers: Orphanet 440402, MedGen C1970456, MONDO:0012582, OMIM 610921.

Submission:

Myriad Genetics, Inc.
Classification: Uncertain significance for Interstitial lung disease due to ABCA3 deficiency. Last evaluated: 2026-01-13. Review status: criteria provided, single submitter. Criteria: Myriad Autosomal Dominant, Autosomal Recessive and X-Linked Classification Criteria (2023). Collection method: clinical testing. Allele origin: unknown.
Comment: NM_001089.2(ABCA3):c.628G>T(G210C) is a missense variant classified as a variant of uncertain significance in the context of surfactant deficiency, ABCA3-related. G210C has been observed in cases with relevant disease (PMID: 24871971, 39041931, 41090249). Relevant functional assessments of this variant are available in the literature (PMID: 39041931). G210C has not been observed in referenced population frequency databases. In summary, there is insufficient evidence to classify NM_001089.2(ABCA3):c.628G>T(G210C) as pathogenic or benign. Please note: this variant was assessed in the context of healthy population screening.

Literature cited by the submitters: PubMed 24871971; PubMed 39041931; PubMed 41090249.